The following is an entry in ClinVar:

NM_182914.3(SYNE2):c.20287A>C (p.Ile6763Leu)

Gene: SYNE2 (spectrin repeat containing nuclear envelope protein 2; plus strand). Cytogenetic location: 14q23.2.
Variant type: single nucleotide variant.
Coding change: c.20287A>C on transcript NM_182914.3 (MANE Select); coding-DNA position 20287, A replaced by C.
Protein change: p.Ile6763Leu; replaces isoleucine 6763 with leucine.
Molecular consequence: missense variant.
Genome position (GRCh38, 1-based): chr14:64,223,285, A>C. VCF-style: chr14-64223285-A-C. GRCh37 (hg19) VCF-style: chr14-64690003-A-C.
Other names: c.20218A>C, p.Ile6740Leu (NM_015180.6); c.853A>C, p.Ile285Leu (NM_182910.2); c.1231A>C, p.Ile411Leu (NM_182913.4); short protein forms I285L, I411L, I6740L, I6763L.
Identifiers: ClinVar variation 4882937 (VCV004882937.2).
Genomic context (GRCh38, chr14:64,223,285, plus strand): 5'-GTGGACATGTTACAGGAGATTTCAAACAGCCTTCTCATTAAGGGACATGGAGAAGACTGT[A>C]TTGAAGCTGAAGAAAAGGTGCATGTTATTGAGAAGAAACTCAAACAGTTACGGGAGCAAG-3'
Protein context (NP_878918.2, residues 6753-6773): LLIKGHGEDC[Ile6763Leu]EAEEKVHVIE

ClinVar aggregate classification (germline): Uncertain significance (1 of 4 stars; one submission).

Submission:

Dasa
Classification: Uncertain significance. Last evaluated: 2025-08-06. Review status: criteria provided, single submitter. Criteria: DASA Assertion Criteria. Collection method: clinical testing. Allele origin: germline.
Comment: NM_182914.3(SYNE2):c.20287A>C (p.Ile6763Leu) is a missense variant that results in the substitution of isoleucine with leucine. This variant is absent from population databases. Computational prediction algorithms are consistent with a benign effect. The currently available literature and clinical evidence are not sufficient to establish a definitive association between this variant and the reported condition. Therefore, this variant is classified as a variant of uncertain significance.